The following is an entry in ClinVar:

ClinVar aggregate classification (germline): Uncertain significance (1 of 4 stars; one submission).

Allele frequency attached by ClinVar (database versions not stated): gnomAD 0.00001.

Submission:

Labcorp Genetics (formerly Invitae), Labcorp
Classification: Uncertain significance. Last evaluated: 2023-02-14. Review status: criteria provided, single submitter. Criteria: Invitae Variant Classification Sherloc (09022015). Collection method: clinical testing. Allele origin: germline.
Comment: This sequence change replaces aspartic acid, which is acidic and polar, with asparagine, which is neutral and polar, at codon 661 of the AP3D1 protein (p.Asp661Asn). The frequency data for this variant in the population databases is considered unreliable, as metrics indicate poor data quality at this position in the gnomAD database. This variant has not been reported in the literature in individuals affected with AP3D1-related conditions. Algorithms developed to predict the effect of missense changes on protein structure and function are either unavailable or do not agree on the potential impact of this missense change (SIFT: "Tolerated"; PolyPhen-2: "Possibly Damaging"; Align-GVGD: "Class C0"). In summary, the available evidence is currently insufficient to determine the role of this variant in disease. Therefore, it has been classified as a Variant of Uncertain Significance.

NM_001261826.3(AP3D1):c.1981G>A (p.Asp661Asn)

Gene: AP3D1 (adaptor related protein complex 3 subunit delta 1; minus strand). Cytogenetic location: 19p13.3.
Variant type: single nucleotide variant.
Coding change: c.1981G>A on transcript NM_001261826.3 (MANE Select); coding-DNA position 1981, G replaced by A.
Protein change: p.Asp661Asn; replaces aspartic acid 661 with asparagine.
Molecular consequence: missense variant.
Genome position (GRCh38, 1-based): chr19:2,116,625, C>T on the plus strand (G>A on the coding strand, the complement: AP3D1 is on the minus strand). VCF-style: chr19-2116625-C-T. GRCh37 (hg19) VCF-style: chr19-2116624-C-T.
Other names: c.1981G>A, p.Asp661Asn (NM_001374799.1, NM_003938.8); short protein forms D661N.
Identifiers: ClinVar variation 2834854 (VCV002834854.3), dbSNP rs1361824543, ClinGen allele CA403216337.